The following is an entry in ClinVar:

NM_000666.3(ACY1):c.986G>A (p.Arg329Gln)

Genes: ABHD14A-ACY1 (ABHD14A-ACY1 readthrough; plus strand), ACY1 (aminoacylase 1; plus strand). Cytogenetic location: 3p21.2.
Variant type: single nucleotide variant.
Coding change: c.986G>A on transcript NM_000666.3 (MANE Select); coding-DNA position 986, G replaced by A.
Protein change: p.Arg329Gln; replaces arginine 329 with glutamine.
Molecular consequence: missense variant.
Genome position (GRCh38, 1-based): chr3:51,988,588, G>A. VCF-style: chr3-51988588-G-A. GRCh37 (hg19) VCF-style: chr3-52022604-G-A.
Other names: c.1256G>A, p.Arg419Gln (NM_001316331.2); c.986G>A, p.Arg329Gln (NM_001198895.2); c.770G>A, p.Arg257Gln (NM_001198896.2); c.791G>A, p.Arg264Gln (NM_001198897.2); c.881G>A, p.Arg294Gln (NM_001198898.2); short protein forms R257Q, R294Q, R329Q, R264Q, R419Q.
Identifiers: ClinVar variation 2060336 (VCV002060336.4), dbSNP rs200685202, ClinGen allele CA2428700.

ClinVar aggregate classification (germline): Uncertain significance (1 of 4 stars; one submission).

Allele frequency attached by ClinVar (database versions not stated): TOPMed 0.00007; ExAC 0.00009; gnomAD exomes 0.00003.
gnomAD v4.1: 49 of 1,614,104 alleles (0.003%); highest among the groups gnomAD compares: South Asian, 0.03%; no homozygotes.

Submission:

Labcorp Genetics (formerly Invitae), Labcorp
Classification: Uncertain significance. Last evaluated: 2022-08-19. Review status: criteria provided, single submitter. Criteria: Invitae Variant Classification Sherloc (09022015). Collection method: clinical testing. Allele origin: germline.
Comment: This sequence change replaces arginine, which is basic and polar, with glutamine, which is neutral and polar, at codon 329 of the ACY1 protein (p.Arg329Gln). This variant is present in population databases (rs200685202, gnomAD 0.03%). This variant has not been reported in the literature in individuals affected with ACY1-related conditions. Algorithms developed to predict the effect of missense changes on protein structure and function output the following: SIFT: "Tolerated"; PolyPhen-2: "Benign"; Align-GVGD: "Class C0". The glutamine amino acid residue is found in multiple mammalian species, which suggests that this missense change does not adversely affect protein function. Algorithms developed to predict the effect of sequence changes on RNA splicing suggest that this variant may disrupt the consensus splice site. In summary, the available evidence is currently insufficient to determine the role of this variant in disease. Therefore, it has been classified as a Variant of Uncertain Significance.